The following is an entry in ClinVar:

NM_000535.7(PMS2):c.1796A>T (p.Asp599Val)

Gene: PMS2 (PMS1 homolog 2, mismatch repair system component; minus strand). Cytogenetic location: 7p22.1.
Variant type: single nucleotide variant.
Coding change: c.1796A>T on transcript NM_000535.7 (MANE Select); coding-DNA position 1796, A replaced by T.
Protein change: p.Asp599Val; replaces aspartic acid 599 with valine.
Molecular consequence: missense variant. On other transcripts: non-coding transcript variant (1).
Genome position (GRCh38, 1-based): chr7:5,986,969, T>A on the plus strand (A>T on the coding strand, the complement: PMS2 is on the minus strand). VCF-style: chr7-5986969-T-A. GRCh37 (hg19) VCF-style: chr7-6026600-T-A.
Other names: c.1391A>T, p.Asp464Val (NM_001322003.2, NM_001322004.2, NM_001322005.2 and 1 more transcripts); c.1640A>T, p.Asp547Val (NM_001322006.2); c.1478A>T, p.Asp493Val (NM_001322007.2, NM_001322008.2); c.1235A>T, p.Asp412Val (NM_001322010.2); c.863A>T, p.Asp288Val (NM_001322011.2, NM_001322012.2); c.1223A>T, p.Asp408Val (NM_001322013.2); c.1796A>T, p.Asp599Val (NM_001322014.2); c.1487A>T, p.Asp496Val (NM_001322015.2); short protein forms D599V, D493V, D408V, D288V, D412V, D464V, D496V, D547V.
Identifiers: ClinVar variation 237894 (VCV000237894.7), dbSNP rs878854039, ClinGen allele CA10582503.

ClinVar aggregate classification (germline): Uncertain significance. Review status: criteria provided, single submitter (1 of 4 stars). 2 submissions from 1 submitter: Uncertain significance (2). Last evaluated 2023-10-08.

Conditions:
Hereditary nonpolyposis colorectal neoplasms. Identifiers: MedGen C0009405, MeSH D003123.
Lynch syndrome. Identifiers: Orphanet 144, MedGen C4552100, MONDO:0005835. Disease mechanism: loss of function.

Submissions (2):

Labcorp Genetics (formerly Invitae), Labcorp
Classification: Uncertain significance for Hereditary nonpolyposis colorectal neoplasms. Last evaluated: 2023-10-08. Review status: criteria provided, single submitter. Criteria: Invitae Variant Classification Sherloc (09022015). Collection method: clinical testing. Allele origin: germline.
Comment: This sequence change replaces aspartic acid, which is acidic and polar, with valine, which is neutral and non-polar, at codon 599 of the PMS2 protein (p.Asp599Val). This variant is not present in population databases (gnomAD no frequency). This variant has not been reported in the literature in individuals affected with PMS2-related conditions. ClinVar contains an entry for this variant (Variation ID: 237894). Advanced modeling of protein sequence and biophysical properties (such as structural, functional, and spatial information, amino acid conservation, physicochemical variation, residue mobility, and thermodynamic stability) performed at Invitae indicates that this missense variant is not expected to disrupt PMS2 protein function. In summary, the available evidence is currently insufficient to determine the role of this variant in disease. Therefore, it has been classified as a Variant of Uncertain Significance.

Labcorp Genetics (formerly Invitae), Labcorp
Classification: Uncertain significance for Hereditary nonpolyposis colorectal neoplasms. Last evaluated: 2016-01-29. Review status: criteria provided, single submitter. Criteria: Invitae Variant Classification Sherloc (09022015). Collection method: clinical testing. Allele origin: germline.
Comment: This sequence change replaces aspartic acid with valine at codon 599 of the PMS2 protein (p.Asp599Val). The aspartic acid residue is weakly conserved and there is a large physicochemical difference between aspartic acid and valine. This variant is not present in population databases (ExAC no frequency) and has not been reported in the literature in individuals with a PMS2-related disease. While algorithms developed to predict the effect of missense changes on protein structure and function (SIFT, PolyPhen-2, Align-GVGD) all suggest that this variant is likely to be tolerated, algorithms developed to predict the effect of nucleotide changes on mRNA splicing suggest that this variant may alter splicing through the creation of a cryptic splice site. These predictions have not been confirmed by published functional studies. In summary, this is a novel missense change that is not predicted to affect protein function, but is predicted to affect mRNA splicing. However, the evidence is insufficient at this time to prove that conclusively. It has been classified as a Variant of Uncertain Significance.